The following is an entry in ClinVar:

ClinVar aggregate classification (germline): Uncertain significance (1 of 4 stars; one submission).

Submission:

Dasa
Classification: Uncertain significance. Last evaluated: 2026-03-28. Review status: criteria provided, single submitter. Criteria: DASA Assertion Criteria. Collection method: clinical testing. Allele origin: germline.
Comment: NM_198241.3(EIF4G1):c.1948C>T (p.Arg650Trp) is a missense variant that results in the substitution of arginine with tryptophan. This variant is rare in population databases. The currently available literature and clinical evidence are not sufficient to establish a definitive association between this variant and the reported condition. Therefore, this variant is classified as a variant of uncertain significance.

NM_198241.3(EIF4G1):c.1948C>T (p.Arg650Trp)

Gene: EIF4G1 (eukaryotic translation initiation factor 4 gamma 1; plus strand). Cytogenetic location: 3q27.1.
Variant type: single nucleotide variant.
Coding change: c.1948C>T on transcript NM_198241.3 (MANE Select); coding-DNA position 1948, C replaced by T.
Protein change: p.Arg650Trp; replaces arginine 650 with tryptophan.
Molecular consequence: missense variant.
Genome position (GRCh38, 1-based): chr3:184,323,101, C>T. VCF-style: chr3-184323101-C-T. GRCh37 (hg19) VCF-style: chr3-184040889-C-T.
Other names: c.1969C>T, p.Arg657Trp (NM_001194946.2, NM_001194947.2); c.1828C>T, p.Arg610Trp (NM_001291157.2); c.1360C>T, p.Arg454Trp (NM_004953.5); c.1948C>T, p.Arg650Trp (NM_182917.4); c.1456C>T, p.Arg486Trp (NM_198242.3); c.1687C>T, p.Arg563Trp (NM_198244.3); short protein forms R454W, R486W, R563W, R610W, R650W, R657W.
Identifiers: ClinVar variation 4852685 (VCV004852685.2).